The following is an entry in ClinVar:

NM_000257.4(MYH7):c.3589G>A (p.Ala1197Thr)

Gene: MYH7 (myosin heavy chain 7; minus strand). Cytogenetic location: 14q11.2.
Variant type: single nucleotide variant.
Coding change: c.3589G>A on transcript NM_000257.4 (MANE Select); coding-DNA position 3589, G replaced by A.
Protein change: p.Ala1197Thr; replaces alanine 1197 with threonine.
Molecular consequence: missense variant.
Genome position (GRCh38, 1-based): chr14:23,419,982, C>T on the plus strand (G>A on the coding strand, the complement: MYH7 is on the minus strand). VCF-style: chr14-23419982-C-T. GRCh37 (hg19) VCF-style: chr14-23889191-C-T.
Other names: c.3589G>A (NM_000257.2); short protein forms A1197T.
Identifiers: ClinVar variation 945432 (VCV000945432.14), dbSNP rs1487430775, ClinGen allele CA389043371.

ClinVar aggregate classification (germline): Uncertain significance. Review status: criteria provided, multiple submitters, no conflicts (2 of 4 stars). 6 submissions from 6 submitters: Uncertain significance (6). Last evaluated 2025-05-12.

Conditions:
Hypertrophic cardiomyopathy 1 (CMH1). Also called: Familial hypertrophic cardiomyopathy 1; MYH7-Related Familial Hypertrophic Cardiomyopathy. Identifiers: MedGen C3495498, MONDO:0008647, OMIM 192600.
Congenital myopathy with fiber type disproportion. Also called: Congenital fiber-type disproportion; Congenital fiber-type disproportion myopathy. Identifiers: Orphanet 2020, MedGen C0546264, MONDO:0009711. Inheritance: all.
Dilated cardiomyopathy 1S (CMD1S). Identifiers: Orphanet 154, Orphanet 54260, MedGen C1834481, MONDO:0013262, OMIM 613426.
Myopathy, myosin storage, autosomal recessive (CMYO7B). Also called: CONGENITAL MYOPATHY 7B, MYOSIN STORAGE, AUTOSOMAL RECESSIVE. Identifiers: Orphanet 636970, MedGen C1850709, MONDO:0009708, OMIM 255160.
MYH7-related skeletal myopathy. Also called: MYOPATHY, DISTAL, EARLY-ONSET, AUTOSOMAL DOMINANT; MYOPATHY, LATE DISTAL HEREDITARY; Myopathy, distal, 1; Laing distal myopathy; Laing early-onset distal myopathy. Identifiers: Orphanet 59135, MedGen C4552004, MONDO:0008050, OMIM 160500.
Myosin storage myopathy (CMYO7A). Also called: MYOPATHY, HYALINE BODY, AUTOSOMAL DOMINANT; Scapuloperoneal myopathy, MYH7-related; SCAPULOPERONEAL MUSCULAR DYSTROPHY; SCAPULOPERONEAL SYNDROME, MYOPATHIC TYPE; MYOPATHY WITH LYSIS OF TYPE I MYOFIBRILS; MYH7-related late-onset scapuloperoneal muscular dystrophy. Identifiers: Orphanet 437572, Orphanet 636965, MedGen C1842160, MONDO:0008409, OMIM 608358.
Cardiomyopathy (CMYO). Also called: Cardiomyopathies. Identifiers: Orphanet 167848, MedGen C0878544, MONDO:0004994, HP:0001638. Inheritance: Various modes of inheritance.
Hypertrophic cardiomyopathy. Also called: HYPERTROPHIC MYOCARDIOPATHY. Identifiers: Orphanet 217569, MedGen C0007194, MeSH D002312, MONDO:0005045, HP:0001639.
Cardiovascular phenotype. Identifiers: MedGen CN230736.

Allele frequency attached by ClinVar (database versions not stated): gnomAD exomes below 0.00001; gnomAD 0.00001; TOPMed 0.00001.

Submissions (6):

Labcorp Genetics (formerly Invitae), Labcorp
Classification: Uncertain significance for Hypertrophic cardiomyopathy. Last evaluated: 2025-05-12. Review status: criteria provided, single submitter. Criteria: Invitae Variant Classification Sherloc (09022015). Collection method: clinical testing. Allele origin: germline.
Comment: This sequence change replaces alanine, which is neutral and non-polar, with threonine, which is neutral and polar, at codon 1197 of the MYH7 protein (p.Ala1197Thr). This variant is present in population databases (no rsID available, gnomAD 0.0009%). This variant has not been reported in the literature in individuals affected with MYH7-related conditions. ClinVar contains an entry for this variant (Variation ID: 945432). Invitae Evidence Modeling of protein sequence and biophysical properties (such as structural, functional, and spatial information, amino acid conservation, physicochemical variation, residue mobility, and thermodynamic stability) indicates that this missense variant is expected to disrupt MYH7 protein function with a positive predictive value of 95%. In summary, the available evidence is currently insufficient to determine the role of this variant in disease. Therefore, it has been classified as a Variant of Uncertain Significance.

GeneDx
Classification: Uncertain significance. Last evaluated: 2024-07-25. Review status: criteria provided, single submitter. Criteria: GeneDx Variant Classification Process June 2021. Collection method: clinical testing. Allele origin: germline. Affected: yes.
Comment: In silico analysis supports that this missense variant has a deleterious effect on protein structure/function; Has not been previously published as pathogenic or benign to our knowledge; Not observed at significant frequency in large population cohorts (gnomAD); This variant is associated with the following publications: (PMID: 34542152)

Ambry Genetics
Classification: Uncertain significance for Cardiovascular phenotype. Last evaluated: 2024-03-21. Review status: criteria provided, single submitter. Criteria: Ambry Variant Classification Scheme 2023. Collection method: clinical testing. Allele origin: germline.
Comment: The p.A1197T variant (also known as c.3589G>A), located in coding exon 25 of the MYH7 gene, results from a G to A substitution at nucleotide position 3589. The alanine at codon 1197 is replaced by threonine, an amino acid with similar properties. This amino acid position is highly conserved in available vertebrate species. In addition, the in silico prediction for this alteration is inconclusive. Based on the available evidence, the clinical significance of this alteration remains unclear.

All of Us Research Program, National Institutes of Health
Classification: Uncertain significance for Cardiomyopathy. Last evaluated: 2023-11-02. Review status: criteria provided, single submitter. Criteria: ACMG Guidelines, 2015. Collection method: clinical testing. Allele origin: germline. Inheritance: Autosomal dominant inheritance. Observed: 2 variant alleles, 2 heterozygotes.
Comment: This missense variant replaces alanine with threonine at codon 1197 of the MYH7 protein. Computational prediction is inconclusive regarding the impact of this variant on protein structure and function (internally defined REVEL score threshold 0.5 < inconclusive < 0.7, PMID: 27666373). To our knowledge, functional studies have not been reported for this variant. This variant has not been reported in individuals affected with MYH7-related disorders in the literature. This variant has been identified in 1/244122 chromosomes in the general population by the Genome Aggregation Database (gnomAD). The available evidence is insufficient to determine the role of this variant in disease conclusively. Therefore, this variant is classified as a Variant of Uncertain Significance.

This study involves interpretation of variants in research participants for the purpose of population health screening. Participant phenotype was not available at the time of variant classification. Additional details can be found in publication PMID: 35346344, PMCID: PMC8962531

Color Diagnostics, LLC DBA Color Health
Classification: Uncertain significance for Cardiomyopathy. Last evaluated: 2023-10-05. Review status: criteria provided, single submitter. Criteria: ACMG Guidelines, 2015. Collection method: clinical testing. Allele origin: germline.
Comment: This missense variant replaces alanine with threonine at codon 1197 of the MYH7 protein. Computational prediction is inconclusive regarding the impact of this variant on protein structure and function (internally defined REVEL score threshold 0.5 < inconclusive < 0.7, PMID: 27666373). To our knowledge, functional studies have not been reported for this variant. This variant has not been reported in individuals affected with MYH7-related disorders in the literature. This variant has been identified in 1/244122 chromosomes in the general population by the Genome Aggregation Database (gnomAD). The available evidence is insufficient to determine the role of this variant in disease conclusively. Therefore, this variant is classified as a Variant of Uncertain Significance.

Fulgent Genetics
Classification: Uncertain significance for MYH7-related skeletal myopathy; Myosin storage myopathy; Hypertrophic cardiomyopathy 1; Myopathy, myosin storage, autosomal recessive; Congenital myopathy 4A, autosomal dominant; Dilated cardiomyopathy 1S. Last evaluated: 2021-10-21. Review status: criteria provided, single submitter. Criteria: ACMG Guidelines, 2015. Collection method: clinical testing. Allele origin: unknown.